The following is an entry in ClinVar:

ClinVar aggregate classification (germline): Uncertain significance (1 of 4 stars; one submission).

Conditions:
Saldino-Mainzer syndrome (SRTD9). Also called: Renal dysplasia, retinal pigmentary dystrophy, cerebellar ataxia and skeletal dysplasia; CONORENAL SYNDROME; short-rib thoracic dysplasia 9 with or without polydactyly; SHORT-RIB THORACIC DYSPLASIA 9 WITHOUT POLYDACTYLY. Identifiers: Orphanet 140969, MedGen C1849437, MONDO:0009964, OMIM 266920.

Submission:

Labcorp Genetics (formerly Invitae), Labcorp
Classification: Uncertain significance for Saldino-Mainzer syndrome. Last evaluated: 2022-06-11. Review status: criteria provided, single submitter. Criteria: Invitae Variant Classification Sherloc (09022015). Collection method: clinical testing. Allele origin: germline.
Comment: Experimental studies and prediction algorithms are not available or were not evaluated, and the functional significance of this variant is currently unknown. In summary, the available evidence is currently insufficient to determine the role of this variant in disease. Therefore, it has been classified as a Variant of Uncertain Significance. This variant has not been reported in the literature in individuals affected with IFT140-related conditions. This variant is present in population databases (rs759146895, gnomAD 0.0009%). This variant, c.612_614del, results in the deletion of 1 amino acid(s) of the IFT140 protein (p.Leu204del), but otherwise preserves the integrity of the reading frame.

NM_014714.4(IFT140):c.609GTT[1] (p.Leu204del)

Genes: IFT140 (intraflagellar transport 140; minus strand), LOC105371046 (uncharacterized LOC105371046; plus strand). Cytogenetic location: 16p13.3.
Variant type: Microsatellite.
Coding change: c.609GTT[1] on transcript NM_014714.4 (MANE Select); one copy of the 3-base unit GTT starting at c.609; the reference has two copies in a row; one copy, 3 bases deleted.
Protein change: p.Leu204del; deletes leucine 204.
Molecular consequence: inframe deletion.
Genome position (GRCh38, 1-based): chr16:1,592,196-1,592,198, AAC deleted on the plus strand (GTT on the coding strand, the reverse complement: IFT140 is on the minus strand); deleting any 3 consecutive bases within chr16:1,592,196-1,592,202 gives the same sequence; the position shown is the placement nearest the transcript's 3' end. VCF-style (leftmost placement, unchanged base first): chr16-1592195-GAAC-G. GRCh37 (hg19) VCF-style: chr16-1642196-GAAC-G.
Other names: short protein forms L204del.
Identifiers: ClinVar variation 1980727 (VCV001980727.4), dbSNP rs759146895, ClinGen allele CA7814646.